The following is an entry in ClinVar:

ClinVar aggregate classification (germline): Uncertain significance. Review status: criteria provided, multiple submitters, no conflicts (2 of 4 stars). 2 submissions from 2 submitters: Uncertain significance (2). Last evaluated 2025-08-01.

Conditions:
Inborn genetic diseases. Identifiers: MedGen C0950123, MeSH D030342.

Allele frequency attached by ClinVar (database versions not stated): gnomAD exomes 0.00001; ExAC 0.00002; TOPMed 0.00006; gnomAD 0.00007.
gnomAD v4.1: 30 of 1,613,402 alleles (0.0019%); highest among the groups gnomAD compares: African/African-American, 0.027%; no homozygotes.

Submissions (2):

Labcorp Genetics (formerly Invitae), Labcorp
Classification: Uncertain significance. Last evaluated: 2025-08-01. Review status: criteria provided, single submitter. Criteria: Invitae Variant Classification Sherloc (09022015). Collection method: clinical testing. Allele origin: germline.
Comment: This sequence change replaces glutamic acid, which is acidic and polar, with lysine, which is basic and polar, at codon 825 of the AP3D1 protein (p.Glu825Lys). This variant is present in population databases (rs758630548, gnomAD 0.01%). This variant has not been reported in the literature in individuals affected with AP3D1-related conditions. ClinVar contains an entry for this variant (Variation ID: 2712055). An algorithm developed to predict the effect of missense changes on protein structure and function (PolyPhen-2) suggests that this variant is likely to be tolerated. In summary, the available evidence is currently insufficient to determine the role of this variant in disease. Therefore, it has been classified as a Variant of Uncertain Significance.

Ambry Genetics
Classification: Uncertain significance for Inborn genetic diseases. Last evaluated: 2025-02-04. Review status: criteria provided, single submitter. Criteria: Ambry Variant Classification Scheme 2023. Collection method: clinical testing. Allele origin: germline.

NM_001261826.3(AP3D1):c.2473G>A (p.Glu825Lys)

Gene: AP3D1 (adaptor related protein complex 3 subunit delta 1; minus strand). Cytogenetic location: 19p13.3.
Variant type: single nucleotide variant.
Coding change: c.2473G>A on transcript NM_001261826.3 (MANE Select); coding-DNA position 2473, G replaced by A.
Protein change: p.Glu825Lys; replaces glutamic acid 825 with lysine.
Molecular consequence: missense variant.
Genome position (GRCh38, 1-based): chr19:2,114,253, C>T on the plus strand (G>A on the coding strand, the complement: AP3D1 is on the minus strand). VCF-style: chr19-2114253-C-T. GRCh37 (hg19) VCF-style: chr19-2114252-C-T.
Other names: c.2473G>A, p.Glu825Lys (NM_001374799.1, NM_003938.8); c.2473G>A (NM_003938.5); short protein forms E825K.
Identifiers: ClinVar variation 2712055 (VCV002712055.4), dbSNP rs758630548, ClinGen allele CA9058843.